The following is an entry in ClinVar:

NM_004285.4(H6PD):c.857C>T (p.Ala286Val)

Gene: H6PD (hexose-6-phosphate dehydrogenase/glucose 1-dehydrogenase; plus strand). Cytogenetic location: 1p36.22.
Variant type: single nucleotide variant.
Coding change: c.857C>T on transcript NM_004285.4 (MANE Select); coding-DNA position 857, C replaced by T.
Protein change: p.Ala286Val; replaces alanine 286 with valine.
Molecular consequence: missense variant.
Genome position (GRCh38, 1-based): chr1:9,262,170, C>T. VCF-style: chr1-9262170-C-T. GRCh37 (hg19) VCF-style: chr1-9322229-C-T.
Other names: c.890C>T, p.Ala297Val (NM_001282587.2); c.857C>T (NM_004285.3); short protein forms A286V, A297V.
Identifiers: ClinVar variation 3588018 (VCV003588018.2).

ClinVar aggregate classification (germline): Uncertain significance. Review status: criteria provided, multiple submitters, no conflicts (2 of 4 stars). 2 submissions from 2 submitters: Uncertain significance (2). Last evaluated 2025-06-06.

Conditions:
Cortisone reductase deficiency 1 (CORTRD1). Identifiers: Orphanet 168588, MedGen C3551716, MONDO:0011503, OMIM 604931.

gnomAD v4.1: 123 of 1,614,110 alleles (0.0076%); highest among the groups gnomAD compares: Admixed American, 0.025%; 1 homozygote.

Submissions (2):

GeneDx
Classification: Uncertain significance. Last evaluated: 2025-06-06. Review status: criteria provided, single submitter. Criteria: GeneDx Variant Classification Process June 2021. Collection method: clinical testing. Allele origin: germline. Affected: yes.
Comment: In silico analysis suggests that this missense variant does not alter protein structure/function; Has not been previously published as pathogenic or benign to our knowledge

Fulgent Genetics
Classification: Uncertain significance for Cortisone reductase deficiency 1. Last evaluated: 2024-02-20. Review status: criteria provided, single submitter. Criteria: ACMG Guidelines, 2015. Collection method: clinical testing. Allele origin: germline.